The following is an entry in ClinVar:

ClinVar aggregate classification (germline): Uncertain significance (1 of 4 stars; one submission).

Conditions:
Spinocerebellar ataxia type 19/22 (SCA19). Also called: SPINOCEREBELLAR ATAXIA 22; SPINOCEREBELLAR ATAXIA 19. Identifiers: Orphanet 98772, MedGen C1846367, MONDO:0011819, OMIM 607346.

Submission:

Labcorp Genetics (formerly Invitae), Labcorp
Classification: Uncertain significance for Spinocerebellar ataxia type 19/22. Last evaluated: 2023-07-26. Review status: criteria provided, single submitter. Criteria: Invitae Variant Classification Sherloc (09022015). Collection method: clinical testing. Allele origin: germline.
Comment: This sequence change replaces isoleucine, which is neutral and non-polar, with threonine, which is neutral and polar, at codon 610 of the KCND3 protein (p.Ile610Thr). This variant is not present in population databases (gnomAD no frequency). This variant has not been reported in the literature in individuals affected with KCND3-related conditions. An algorithm developed to predict the effect of missense changes on protein structure and function (PolyPhen-2) suggests that this variant is likely to be tolerated. In summary, the available evidence is currently insufficient to determine the role of this variant in disease. Therefore, it has been classified as a Variant of Uncertain Significance.

NM_001378969.1(KCND3):c.1829T>C (p.Ile610Thr)

Gene: KCND3 (potassium voltage-gated channel subfamily D member 3; minus strand). Cytogenetic location: 1p13.2.
Variant type: single nucleotide variant.
Coding change: c.1829T>C on transcript NM_001378969.1 (MANE Select); coding-DNA position 1829, T replaced by C.
Protein change: p.Ile610Thr; replaces isoleucine 610 with threonine.
Molecular consequence: missense variant.
Genome position (GRCh38, 1-based): chr1:111,776,216, A>G on the plus strand (T>C on the coding strand, the complement: KCND3 is on the minus strand). VCF-style: chr1-111776216-A-G. GRCh37 (hg19) VCF-style: chr1-112318838-A-G.
Other names: c.1772T>C, p.Ile591Thr (NM_001378970.1, NM_172198.3); c.1829T>C, p.Ile610Thr (NM_004980.5); short protein forms I591T, I610T.
Identifiers: ClinVar variation 2747257 (VCV002747257.3), dbSNP rs2524987722, ClinGen allele CA341655455.